The following is an entry in ClinVar:

ClinVar aggregate classification (germline): Pathogenic. Review status: criteria provided, multiple submitters, no conflicts (2 of 4 stars). 2 submissions from 2 submitters: Pathogenic (2). Last evaluated 2026-09-08.

Conditions:
Fabry disease. Also called: ALPHA-GALACTOSIDASE A DEFICIENCY; ANDERSON-FABRY DISEASE; CERAMIDE TRIHEXOSIDASE DEFICIENCY; GLA DEFICIENCY; HEREDITARY DYSTOPIC LIPIDOSIS; Angiokeratoma corporis diffusum. Identifiers: Orphanet 324, MedGen C0002986, MONDO:0010526, OMIM 301500, HP:0001071. Disease mechanism: Fabry disease is due to inactivating mutations in the X-linked GLA gene resulting in deficiency of the enzyme Alpha Galactosidase-A., loss of function.

Submissions (2):

Genomenon, Inc
Classification: Pathogenic for Fabry disease. Last evaluated: 2026-09-08. Review status: criteria provided, single submitter. Criteria: Genomenon Sequence Variant Interpretation Standards - Updated. Collection method: curation. Allele origin: germline. Affected: yes.
Comment: GLA c.801+2dup is a duplication that affects the donor splice site of intron 5. It is predicted to affect mRNA splicing, leading to a deleterious effect on the GLA protein. This variant has been observed in at least one proband with clinical features consistent with Fabry disease (PMID:31611903). The variant was found to segregate with disease in at least one affected family (PMID:31611903). Functional or patient cell studies have been reported (PMID:31611903). At least one splicing study has demonstrated that this variant results in aberrant splicing (PMID:31611903). It is absent or not present at a significant frequency in gnomAD. In conclusion, we classify GLA c.801+2dup as a pathogenic variant.

GeneDx
Classification: Pathogenic. Last evaluated: 2026-03-23. Review status: criteria provided, single submitter. Criteria: GeneDx Variant Classification Process June 2021. Collection method: clinical testing. Allele origin: germline.
Comment: RNA studies demonstrate a damaging effect with two aberrant splicing events leading to the inclusion of intron fragments (PMID: 31611903); In silico analysis supports a deleterious effect on splicing; Not observed at significant frequency in large population cohorts (gnomAD); This variant is associated with the following publications: (PMID: 31611903)

Literature cited by the submitters: PubMed 31611903 (cited by Genomenon, Inc).

NM_000169.3(GLA):c.801+2dup

Genes: GLA (galactosidase alpha; minus strand), RPL36A-HNRNPH2 (RPL36A-HNRNPH2 readthrough; plus strand). Cytogenetic location: Xq22.1.
Variant type: Duplication.
Coding change: c.801+2dup on transcript NM_000169.3 (MANE Select); the canonical splice donor site of the intron after coding-DNA position 801, one base duplicated (T; older notation c.801+2dupT).
Molecular consequence: splice donor variant. On other transcripts: intron variant (2).
Genome position (GRCh38, 1-based): chrX:101,398,783, A duplicated on the plus strand (T on the coding strand, the reverse complement: GLA is on the minus strand). VCF-style (leftmost placement, unchanged base first): chrX-101398782-T-TA. GRCh37 (hg19) VCF-style: chrX-100653770-T-TA.
Other names: c.300+3326dup (NM_001199973.2); c.177+6961dup (NM_001199974.2); c.924+2dup (NM_001406747.1); c.801+2dup (NM_001406748.1).
Identifiers: ClinVar variation 4087224 (VCV004087224.4).